The following is an entry in ClinVar:

NM_000138.5(FBN1):c.3545G>C (p.Cys1182Ser)

Gene: FBN1 (fibrillin 1; minus strand). Cytogenetic location: 15q21.1.
Variant type: single nucleotide variant.
Coding change: c.3545G>C on transcript NM_000138.5 (MANE Select); coding-DNA position 3545, G replaced by C.
Protein change: p.Cys1182Ser; replaces cysteine 1182 with serine.
Molecular consequence: missense variant.
Genome position (GRCh38, 1-based): chr15:48,487,119, C>G on the plus strand (G>C on the coding strand, the complement: FBN1 is on the minus strand). VCF-style: chr15-48487119-C-G. GRCh37 (hg19) VCF-style: chr15-48779316-C-G.
Other names: c.3545G>C, p.Cys1182Ser (NM_001406716.1); short protein forms C1182S.
Identifiers: ClinVar variation 1712174 (VCV001712174.2), dbSNP rs1597562812, ClinGen allele CA392325033.
Genomic context (GRCh38, chr15:48,487,119, plus strand): 5'-ATAAAAAAGAACTTACCAACACAAAATAGCCTATCGGGAGTTGAATGGTAGCCAGGGTTG[C>G]AGGCACACTGATACTTCCCTATGAGGTTCACGCAACGGCCATTGGGGCACAGGTGTGCAC-3'
Protein context (NP_000129.3, residues 1172-1192): VNLIGKYQCA[Cys1182Ser]NPGYHSTPDR

ClinVar aggregate classification (germline): Pathogenic (1 of 4 stars; one submission).

Submission:

GeneDx
Classification: Pathogenic. Last evaluated: 2022-04-22. Review status: criteria provided, single submitter. Criteria: GeneDx Variant Classification Process June 2021. Collection method: clinical testing. Allele origin: germline. Affected: yes.
Comment: Not observed at significant frequency in large population cohorts (gnomAD); Affects a cysteine residue within a calcium-binding EGF-like domain of the FBN1 gene, which may affect disulfide bonding and is predicted to alter the structure and function of the protein; cysteine substitutions in the calcium-binding EGF-like domains represent the majority of pathogenic missense changes associated with FBN1-related disorders (Collod-Beroud et al., 2003); Published in vitro functional studies suggest higher susceptibility to degradation and lower binding to heparin compared to wild type (Kirschner et al., 2011); In silico analysis supports that this missense variant has a deleterious effect on protein structure/function; This variant is associated with the following publications: (PMID: 12938084, 10189222, 21784848)